The following is an entry in ClinVar:

ClinVar aggregate classification (germline): Conflicting classifications of pathogenicity. Review status: criteria provided, conflicting classifications (1 of 4 stars). 2 submissions from 2 submitters: Uncertain significance (1); Likely benign (1). Last evaluated 2025-09-29.

Conditions:
Hereditary cancer-predisposing syndrome. Also called: Neoplastic Syndromes, Hereditary; Tumor predisposition; Hereditary Cancer Syndrome; Hereditary neoplastic syndrome. Identifiers: Orphanet 140162, MedGen C0027672, MeSH D009386, MONDO:0015356.
Rhabdoid tumor predisposition syndrome 2 (RTPS2). Identifiers: Orphanet 231108, Orphanet 69077, MedGen C2750074, MONDO:0013224, OMIM 613325.

Allele frequency attached by ClinVar (database versions not stated): gnomAD exomes below 0.00001.
gnomAD v4.1: 5 of 1,614,000 alleles (0.00031%); highest among the groups gnomAD compares: Non-Finnish European, 0.00042%; no homozygotes.

Submissions (2):

Labcorp Genetics (formerly Invitae), Labcorp
Classification: Uncertain significance for Rhabdoid tumor predisposition syndrome 2. Last evaluated: 2025-09-29. Review status: criteria provided, single submitter. Criteria: Invitae Variant Classification Sherloc (09022015). Collection method: clinical testing. Allele origin: germline.
Comment: This sequence change replaces lysine, which is basic and polar, with arginine, which is basic and polar, at codon 635 of the SMARCA4 protein (p.Lys635Arg). This variant is not present in population databases (gnomAD no frequency). This variant has not been reported in the literature in individuals affected with SMARCA4-related conditions. ClinVar contains an entry for this variant (Variation ID: 820277). Invitae Evidence Modeling of protein sequence and biophysical properties (such as structural, functional, and spatial information, amino acid conservation, physicochemical variation, residue mobility, and thermodynamic stability) indicates that this missense variant is not expected to disrupt SMARCA4 protein function with a negative predictive value of 95%. In summary, the available evidence is currently insufficient to determine the role of this variant in disease. Therefore, it has been classified as a Variant of Uncertain Significance.

Ambry Genetics
Classification: Likely benign for Hereditary cancer-predisposing syndrome. Last evaluated: 2025-06-06. Review status: criteria provided, single submitter. Criteria: Ambry Variant Classification Scheme 2023. Collection method: clinical testing. Allele origin: germline.

NM_003072.5(SMARCA4):c.1904A>G (p.Lys635Arg)

Gene: SMARCA4 (SWI/SNF related BAF chromatin remodeling complex subunit ATPase 4; plus strand). Cytogenetic location: 19p13.2.
Variant type: single nucleotide variant.
Coding change: c.1904A>G on transcript NM_003072.5 (MANE Select); coding-DNA position 1904, A replaced by G.
Protein change: p.Lys635Arg; replaces lysine 635 with arginine.
Molecular consequence: missense variant. On other transcripts: non-coding transcript variant (1).
Genome position (GRCh38, 1-based): chr19:11,003,120, A>G. VCF-style: chr19-11003120-A-G. GRCh37 (hg19) VCF-style: chr19-11113796-A-G.
Other names: c.1904A>G, p.Lys635Arg (NM_001128844.3, NM_001128845.2, NM_001128846.2 and 4 more transcripts); short protein forms K635R.
Identifiers: ClinVar variation 820277 (VCV000820277.14), dbSNP rs1600133088, ClinGen allele CA404051643.